The following is an entry in ClinVar:

NM_001200.4(BMP2):c.561C>T (p.Pro187=)

Gene: BMP2 (bone morphogenetic protein 2; plus strand). Cytogenetic location: 20p12.3.
Variant type: single nucleotide variant.
Coding change: c.561C>T on transcript NM_001200.4 (MANE Select); coding-DNA position 561, C replaced by T.
Protein change: p.Pro187=; no amino-acid change (proline 187 retained).
Molecular consequence: synonymous variant.
Genome position (GRCh38, 1-based): chr20:6,778,459, C>T. VCF-style: chr20-6778459-C-T. GRCh37 (hg19) VCF-style: chr20-6759106-C-T.
Identifiers: ClinVar variation 498514 (VCV000498514.19), dbSNP rs149465465, ClinGen allele CA9758704.

ClinVar aggregate classification (germline): Conflicting classifications of pathogenicity. Review status: criteria provided, conflicting classifications (1 of 4 stars). 4 submissions from 4 submitters: Uncertain significance (1); Likely benign (2). 1 of the submissions does not count toward it. Last evaluated 2025-10-06.

Conditions:
BMP2-related disorder. Also called: BMP2-related condition.

Allele frequency attached by ClinVar (database versions not stated): ExAC 0.00030; 1000 Genomes Project 30x 0.00031; gnomAD exomes 0.00039; 1000 Genomes Project 0.00040; ESP Exome Variant Server 0.00108; TOPMed 0.00121; gnomAD 0.00078 and 0.00084.
gnomAD v4.1: 392 of 1,614,150 alleles (0.024%); highest among the groups gnomAD compares: African/African-American, 0.19%; no homozygotes.

Submissions (4):

Labcorp Genetics (formerly Invitae), Labcorp
Classification: Likely benign. Last evaluated: 2025-10-06. Review status: criteria provided, single submitter. Criteria: Invitae Variant Classification Sherloc (09022015). Collection method: clinical testing. Allele origin: germline.

Blueprint Genetics
Classification: Likely benign. Last evaluated: 2024-04-29. Review status: criteria provided, single submitter. Criteria: ACMG Guidelines, 2015. Collection method: clinical testing. Allele origin: germline.

Eurofins Ntd Llc (ga)
Classification: Uncertain significance. Last evaluated: 2016-11-22. Review status: criteria provided, single submitter. Criteria: EGL Classification Definitions 2015. Collection method: clinical testing. Allele origin: germline. Observed: 1 variant allele, 1 heterozygote.

PreventionGenetics, part of Exact Sciences
Classification: Likely benign for BMP2-related condition. Last evaluated: 2019-05-01. Review status: no assertion criteria provided. Collection method: clinical testing. Allele origin: germline. Not counted in ClinVar's aggregate classification.
Comment: This variant is classified as likely benign based on ACMG/AMP sequence variant interpretation guidelines (Richards et al. 2015 PMID: 25741868, with internal and published modifications).